The following is an entry in ClinVar:

ClinVar aggregate classification (germline): Uncertain significance. Review status: criteria provided, multiple submitters, no conflicts (2 of 4 stars). 3 submissions from 3 submitters: Uncertain significance (2). 1 of the submissions does not count toward it. Last evaluated 2025-05-19.

Conditions:
Glycogen storage disease type III (GSD3). Also called: Cori disease; FORBES DISEASE. Identifiers: Orphanet 366, MedGen C0017922, MONDO:0009291, OMIM 232400.
Inborn genetic diseases. Identifiers: MedGen C0950123, MeSH D030342.

Allele frequency attached by ClinVar (database versions not stated): ExAC 0.00001; gnomAD exomes 0.00001; TOPMed 0.00001.
gnomAD v4.1: 8 of 1,612,876 alleles (0.0005%); highest among the groups gnomAD compares: Admixed American, 0.0017%; no homozygotes.

Submissions (3):

Ambry Genetics
Classification: Uncertain significance for Inborn genetic diseases. Last evaluated: 2025-05-19. Review status: criteria provided, single submitter. Criteria: Ambry Variant Classification Scheme 2023. Collection method: clinical testing. Allele origin: germline.

Labcorp Genetics (formerly Invitae), Labcorp
Classification: Uncertain significance for Glycogen storage disease type III. Last evaluated: 2022-10-13. Review status: criteria provided, single submitter. Criteria: Invitae Variant Classification Sherloc (09022015). Collection method: clinical testing. Allele origin: germline.
Comment: This sequence change replaces glycine, which is neutral and non-polar, with alanine, which is neutral and non-polar, at codon 822 of the AGL protein (p.Gly822Ala). This variant is present in population databases (rs752820851, gnomAD 0.002%). This variant has not been reported in the literature in individuals affected with AGL-related conditions. ClinVar contains an entry for this variant (Variation ID: 526589). Algorithms developed to predict the effect of missense changes on protein structure and function are either unavailable or do not agree on the potential impact of this missense change (SIFT: "Deleterious"; PolyPhen-2: "Benign"; Align-GVGD: "Class C0"). In summary, the available evidence is currently insufficient to determine the role of this variant in disease. Therefore, it has been classified as a Variant of Uncertain Significance.

Natera, Inc.
Classification: Uncertain significance for Glycogen storage disease type III. Last evaluated: 2019-10-28. Review status: no assertion criteria provided. Collection method: clinical testing. Allele origin: germline. Not counted in ClinVar's aggregate classification.

NM_000642.3(AGL):c.2465G>C (p.Gly822Ala)

Gene: AGL (amylo-alpha-1,6-glucosidase and 4-alpha-glucanotransferase; plus strand). Cytogenetic location: 1p21.2.
Variant type: single nucleotide variant.
Coding change: c.2465G>C on transcript NM_000642.3 (MANE Select); coding-DNA position 2465, G replaced by C.
Protein change: p.Gly822Ala; replaces glycine 822 with alanine.
Molecular consequence: missense variant.
Genome position (GRCh38, 1-based): chr1:99,884,370, G>C. VCF-style: chr1-99884370-G-C. GRCh37 (hg19) VCF-style: chr1-100349926-G-C.
Other names: c.2465G>C, p.Gly822Ala (NM_000028.3, NM_000643.3, NM_000644.3 and 2 more transcripts); c.2264G>C, p.Gly755Ala (NM_001425327.1); c.2261G>C, p.Gly754Ala (NM_001425328.1, NM_001425329.1); c.2087G>C, p.Gly696Ala (NM_001425332.1); c.2417G>C, p.Gly806Ala (NM_000646.3); short protein forms G822A, G806A, G696A, G754A, G755A.
Identifiers: ClinVar variation 526589 (VCV000526589.13), dbSNP rs752820851, ClinGen allele CA966798.